The following is an entry in ClinVar:

ClinVar aggregate classification (germline): Conflicting classifications of pathogenicity. Review status: criteria provided, conflicting classifications (1 of 4 stars). 5 submissions from 5 submitters: Likely pathogenic (4); Uncertain significance (1). Last evaluated 2026-01-01.

Conditions:
Pituitary adenoma 5, multiple types. Identifiers: MedGen C4539685, MONDO:0054601, OMIM 617540.
Usher syndrome type 1D (USH1D). Also called: USHER SYNDROME, TYPE ID. Identifiers: Orphanet 231169, Orphanet 886, MedGen C1832845, MONDO:0010984, OMIM 601067.
CDH23-related disorder. Also called: CDH23-related disorders; CDH23-related condition.

Allele frequency attached by ClinVar (database versions not stated): ExAC 0.00001; gnomAD exomes 0.00001.
gnomAD v4.1: 13 of 1,614,050 alleles (0.00081%); highest among the groups gnomAD compares: Admixed American, 0.0033%; no homozygotes.

Submissions (5):

Labcorp Genetics (formerly Invitae), Labcorp
Classification: Likely pathogenic. Last evaluated: 2026-01-01. Review status: criteria provided, single submitter. Criteria: Invitae Variant Classification Sherloc (09022015). Collection method: clinical testing. Allele origin: germline.
Comment: This sequence change replaces glutamic acid, which is acidic and polar, with lysine, which is basic and polar, at codon 1862 of the CDH23 protein (p.Glu1862Lys). This variant is present in population databases (rs773004408, gnomAD 0.003%). This missense change has been observed in individual(s) with CDH23-related conditions (PMID: 33095980, 33576794, 34599366, 35020051, 38465142). In at least one individual the data is consistent with being in trans (on the opposite chromosome) from a pathogenic variant. ClinVar contains an entry for this variant (Variation ID: 1685258). Invitae Evidence Modeling of protein sequence and biophysical properties (such as structural, functional, and spatial information, amino acid conservation, physicochemical variation, residue mobility, and thermodynamic stability) has been performed for this missense variant. However, the output from this modeling did not meet the statistical confidence thresholds required to predict the impact of this variant on CDH23 protein function. In summary, the currently available evidence indicates that the variant is pathogenic, but additional data are needed to prove that conclusively. Therefore, this variant has been classified as Likely Pathogenic.

PreventionGenetics, part of Exact Sciences
Classification: Likely pathogenic for CDH23-related condition. Last evaluated: 2025-02-11. Review status: criteria provided, single submitter. Criteria: ACMG Guidelines, 2015. Collection method: clinical testing. Allele origin: germline.
Comment: The CDH23 c.5584G>A variant is predicted to result in the amino acid substitution p.Glu1862Lys. This variant has been reported with a second CDH23 variant in individuals with hearing loss (Xiang et al. 2020. PubMed ID: 33095980; Table S5, Colombo et al. 2021. PubMed ID: 33576794; Supplemental Table 2, Usami et al. 2022. PubMed ID: 35020051). It has also been reported in the homozygous state in two individuals with retinitis pigmentosa (Sahin et al. 2024. PubMed ID: 38465142). This variant is reported in 0.0029% of alleles in individuals of Latino descent in gnomAD. This variant is interpreted as likely pathogenic.

Baylor Genetics
Classification: Likely pathogenic for Pituitary adenoma 5, multiple types. Last evaluated: 2023-07-14. Review status: criteria provided, single submitter. Criteria: ACMG Guidelines, 2015. Collection method: clinical testing. Allele origin: unknown.

Mendelics
Classification: Likely pathogenic for Usher syndrome type 1D. Last evaluated: 2022-05-04. Review status: criteria provided, single submitter. Criteria: Mendelics Assertion Criteria 2019. Collection method: clinical testing. Allele origin: germline.

Blueprint Genetics
Classification: Uncertain significance. Last evaluated: 2021-10-18. Review status: criteria provided, single submitter. Criteria: ACMG Guidelines, 2015. Collection method: clinical testing. Allele origin: germline.

Literature cited by the submitters: PubMed 33095980 (cited by Labcorp Genetics (formerly Invitae), Labcorp); PubMed 33576794 (cited by Labcorp Genetics (formerly Invitae), Labcorp); PubMed 34599366 (cited by Labcorp Genetics (formerly Invitae), Labcorp); PubMed 35020051 (cited by Labcorp Genetics (formerly Invitae), Labcorp); PubMed 38465142 (cited by Labcorp Genetics (formerly Invitae), Labcorp).

NM_022124.6(CDH23):c.5584G>A (p.Glu1862Lys)

Gene: CDH23 (cadherin related 23; plus strand). Cytogenetic location: 10q22.1.
Variant type: single nucleotide variant.
Coding change: c.5584G>A on transcript NM_022124.6 (MANE Select); coding-DNA position 5584, G replaced by A.
Protein change: p.Glu1862Lys; replaces glutamic acid 1862 with lysine.
Molecular consequence: missense variant.
Genome position (GRCh38, 1-based): chr10:71,784,972, G>A. VCF-style: chr10-71784972-G-A. GRCh37 (hg19) VCF-style: chr10-73544729-G-A.
Other names: c.5584G>A (NM_022124.5); short protein forms E1862K.
Identifiers: ClinVar variation 1685258 (VCV001685258.7), dbSNP rs773004408, ClinGen allele CA5545813.